The following is an entry in ClinVar:

NM_001252024.2(TRPM1):c.2428G>C (p.Glu810Gln)

Gene: TRPM1 (transient receptor potential cation channel subfamily M member 1; minus strand). Cytogenetic location: 15q13.3.
Variant type: single nucleotide variant.
Coding change: c.2428G>C on transcript NM_001252024.2 (MANE Select); coding-DNA position 2428, G replaced by C.
Protein change: p.Glu810Gln; replaces glutamic acid 810 with glutamine.
Molecular consequence: missense variant.
Genome position (GRCh38, 1-based): chr15:31,038,055, C>G on the plus strand (G>C on the coding strand, the complement: TRPM1 is on the minus strand). VCF-style: chr15-31038055-C-G. GRCh37 (hg19) VCF-style: chr15-31330258-C-G.
Other names: c.2479G>C, p.Glu827Gln (NM_001252020.2); c.2362G>C, p.Glu788Gln (NM_002420.6); short protein forms E827Q, E810Q, E788Q.
Identifiers: ClinVar variation 1964946 (VCV001964946.5), dbSNP rs764007624, ClinGen allele CA7452215.

ClinVar aggregate classification (germline): Uncertain significance (1 of 4 stars; one submission).

gnomAD v4.1: 4 of 1,614,172 alleles (0.00025%); highest among the groups gnomAD compares: Middle Eastern, 0.033%; no homozygotes.

Submission:

Labcorp Genetics (formerly Invitae), Labcorp
Classification: Uncertain significance. Last evaluated: 2022-08-06. Review status: criteria provided, single submitter. Criteria: Invitae Variant Classification Sherloc (09022015). Collection method: clinical testing. Allele origin: germline.
Comment: This sequence change replaces glutamic acid, which is acidic and polar, with glutamine, which is neutral and polar, at codon 788 of the TRPM1 protein (p.Glu788Gln). This variant is present in population databases (rs764007624, gnomAD 0.002%). This variant has not been reported in the literature in individuals affected with TRPM1-related conditions. Algorithms developed to predict the effect of missense changes on protein structure and function (SIFT, PolyPhen-2, Align-GVGD) all suggest that this variant is likely to be tolerated. In summary, the available evidence is currently insufficient to determine the role of this variant in disease. Therefore, it has been classified as a Variant of Uncertain Significance.